The following is an entry in ClinVar:

NM_000492.4(CFTR):c.*684A>G

Gene: CFTR (CF transmembrane conductance regulator; plus strand). Cytogenetic location: 7q31.2.
Variant type: single nucleotide variant.
Coding change: c.*684A>G on transcript NM_000492.4 (MANE Select); 684 bases downstream of the stop codon, A replaced by G.
Molecular consequence: 3 prime UTR variant.
Genome position (GRCh38, 1-based): chr7:117,667,792, A>G. VCF-style: chr7-117667792-A-G. GRCh37 (hg19) VCF-style: chr7-117307846-A-G.
Identifiers: ClinVar variation 358742 (VCV000358742.6), dbSNP rs146818281, ClinGen allele CA10628064.
Genomic context (GRCh38, chr7:117,667,792, plus strand): 5'-AGAACTTCCAGATCCTGGAAATCAGGGTTAGTATTGTCCAGGTCTACCAAAAATCTCAAT[A>G]TTTCAGATAATCACAATACATCCCTTACCTGGGAAAGGGCTGTTATAATCTTTCACAGGG-3'

ClinVar aggregate classification (germline): Uncertain significance. Review status: criteria provided, multiple submitters, no conflicts (2 of 4 stars). 2 submissions from 2 submitters: Uncertain significance (2). Last evaluated 2023-07-26.

Conditions:
CFTR-related disorder (CFTR-RD). Also called: CFTR-related condition; CFTR-related disorders. Identifiers: MedGen C5924204, MONDO:7770004.
Cystic fibrosis (CF). Also called: MUCOVISCIDOSIS. Identifiers: Orphanet 586, MedGen C0010674, MONDO:0009061, OMIM 219700. Disease mechanism: loss of function.

Allele frequency attached by ClinVar (database versions not stated): gnomAD exomes 0.00135; TOPMed 0.00138; gnomAD 0.00146 and 0.00153; 1000 Genomes Project 30x 0.00016.
gnomAD v4.1: 226 of 156,868 alleles (0.14%); highest among the groups gnomAD compares: Non-Finnish European, 0.25%; no homozygotes.

Submissions (2):

Institute of Human Genetics, University of Leipzig Medical Center
Classification: Uncertain significance for Cystic fibrosis. Last evaluated: 2023-07-26. Review status: criteria provided, single submitter. Criteria: ACMG Guidelines, 2015. Collection method: curation. Allele origin: unknown. Affected: yes. Observed: 1 variant allele.
Comment: This variant was classified based on the report of 1 patient with a clinically confirmed diagnosis of cystic fibrosis in the context of re-classifying variants in the German Cystic Fibrosis Registry (Muko e.V.). Patients have not been seen personally, but only reports were evaluated. Criteria applied: none possible

Illumina Laboratory Services, Illumina
Classification: Uncertain significance for CFTR-Related Disorders. Last evaluated: 2018-01-13. Review status: criteria provided, single submitter. Criteria: ICSL Variant Classification Criteria 13 December 2019. Collection method: clinical testing. Allele origin: germline.